The following is an entry in ClinVar:

NM_016955.4(SEPSECS):c.470del (p.His157fs)

Gene: SEPSECS (Sep (O-phosphoserine) tRNA:Sec (selenocysteine) tRNA synthase; minus strand). Cytogenetic location: 4p15.2.
Variant type: Deletion.
Coding change: c.470del on transcript NM_016955.4 (MANE Select); coding-DNA position 470, one base deleted (A; older notation c.470delA).
Protein change: p.His157fs; shifts the reading frame from histidine 157.
Molecular consequence: frameshift variant.
Genome position (GRCh38, 1-based): chr4:25,156,114, T deleted on the plus strand (A on the coding strand, the reverse complement: SEPSECS is on the minus strand). VCF-style (leftmost placement, unchanged base first): chr4-25156113-GT-G. GRCh37 (hg19) VCF-style: chr4-25157735-GT-G.
Other names: c.725delA, p.His242Profs (NM_001410714.1); c.470delA, p.His157Profs (NM_153825.2); short protein forms H157fs.
Identifiers: ClinVar variation 2112762 (VCV002112762.4), dbSNP rs2474680524, ClinGen allele CA2580070935.

ClinVar aggregate classification (germline): Pathogenic (1 of 4 stars; one submission).

Submission:

Labcorp Genetics (formerly Invitae), Labcorp
Classification: Pathogenic. Last evaluated: 2022-03-15. Review status: criteria provided, single submitter. Criteria: Invitae Variant Classification Sherloc (09022015). Collection method: clinical testing. Allele origin: germline.
Comment: Algorithms developed to predict the effect of sequence changes on RNA splicing suggest that this variant may create or strengthen a splice site. This sequence change creates a premature translational stop signal (p.His157Profs*14) in the SEPSECS gene. It is expected to result in an absent or disrupted protein product. Loss-of-function variants in SEPSECS are known to be pathogenic (PMID: 25558065, 25590979, 26115735). This variant is not present in population databases (gnomAD no frequency). This variant has not been reported in the literature in individuals affected with SEPSECS-related conditions. For these reasons, this variant has been classified as Pathogenic.

Literature cited by the submitters: PubMed 25558065; PubMed 25590979; PubMed 26115735.